The following is an entry in ClinVar:

NM_001009944.3(PKD1):c.12205A>C (p.Thr4069Pro)

Gene: PKD1 (polycystin 1, transient receptor potential channel interacting; minus strand). Cytogenetic location: 16p13.3.
Variant type: single nucleotide variant.
Coding change: c.12205A>C on transcript NM_001009944.3 (MANE Select); coding-DNA position 12205, A replaced by C.
Protein change: p.Thr4069Pro; replaces threonine 4069 with proline.
Molecular consequence: missense variant.
Genome position (GRCh38, 1-based): chr16:2,090,524, T>G on the plus strand (A>C on the coding strand, the complement: PKD1 is on the minus strand). VCF-style: chr16-2090524-T-G. GRCh37 (hg19) VCF-style: chr16-2140525-T-G.
Other names: c.12202A>C, p.Thr4068Pro (NM_000296.4); short protein forms T4068P, T4069P.
Identifiers: ClinVar variation 4527502 (VCV004527502.1).

ClinVar aggregate classification (germline): Uncertain significance (1 of 4 stars; one submission).

gnomAD v4.1: 2 of 1,610,460 alleles (0.00012%); highest among the groups gnomAD compares: Admixed American, 0.0017%; no homozygotes.

Submission:

GeneDx
Classification: Uncertain significance. Last evaluated: 2025-04-30. Review status: criteria provided, single submitter. Criteria: GeneDx Variant Classification Process June 2021. Collection method: clinical testing. Allele origin: germline. Affected: yes.
Comment: Not observed at significant frequency in large population cohorts (gnomAD); In silico analysis indicates that this missense variant does not alter protein structure/function; Has not been previously published as pathogenic or benign to our knowledge